The following is an entry in ClinVar:

ClinVar aggregate classification (germline): Benign. Review status: criteria provided, single submitter (1 of 4 stars). 2 submissions from 2 submitters: Benign (1). 1 of the submissions does not count toward it. Last evaluated 2025-06-16.

Conditions:
RAI1-related disorder. Also called: RAI1-related condition.

Allele frequency attached by ClinVar (database versions not stated): gnomAD 0.00001; TOPMed 0.00004.
gnomAD v4.1: 13 of 1,613,014 alleles (0.00081%); highest among the groups gnomAD compares: Admixed American, 0.022%; no homozygotes.

Submissions (2):

Labcorp Genetics (formerly Invitae), Labcorp
Classification: Benign. Last evaluated: 2025-06-16. Review status: criteria provided, single submitter. Criteria: Invitae Variant Classification Sherloc (09022015). Collection method: clinical testing. Allele origin: germline.

PreventionGenetics, part of Exact Sciences
Classification: Likely benign for RAI1-related condition. Last evaluated: 2023-08-03. Review status: no assertion criteria provided. Collection method: clinical testing. Allele origin: germline. Not counted in ClinVar's aggregate classification.
Comment: This variant is classified as likely benign based on ACMG/AMP sequence variant interpretation guidelines (Richards et al. 2015 PMID: 25741868, with internal and published modifications).

NM_030665.4(RAI1):c.751C>G (p.Leu251Val)

Gene: RAI1 (retinoic acid induced 1; plus strand). Cytogenetic location: 17p11.2.
Variant type: single nucleotide variant.
Coding change: c.751C>G on transcript NM_030665.4 (MANE Select); coding-DNA position 751, C replaced by G.
Protein change: p.Leu251Val; replaces leucine 251 with valine.
Molecular consequence: missense variant.
Genome position (GRCh38, 1-based): chr17:17,793,699, C>G. VCF-style: chr17-17793699-C-G. GRCh37 (hg19) VCF-style: chr17-17697013-C-G.
Other names: c.751C>G (NM_030665.3); short protein forms L251V.
Identifiers: ClinVar variation 1389976 (VCV001389976.8), dbSNP rs765999818, ClinGen allele CA8418180.